The following is an entry in ClinVar:

ClinVar aggregate classification (germline): Uncertain significance/VUS-high. Review status: criteria provided, multiple submitters, no conflicts (2 of 4 stars). 3 submissions from 3 submitters: Uncertain significance (2); VUS-high (1). Last evaluated 2026-02-06.

Conditions:
Autosomal recessive limb-girdle muscular dystrophy type 2J (LGMDR10). Also called: MUSCULAR DYSTROPHY, LIMB-GIRDLE, AUTOSOMAL RECESSIVE 10; Limb-girdle muscular dystrophy, type 2J. Identifiers: Orphanet 140922, MedGen C1837342, MONDO:0012127, OMIM 608807.
Hypertrophic cardiomyopathy 9. Also called: Familial hypertrophic cardiomyopathy 9. Identifiers: MedGen C1861065, MONDO:0013412, OMIM 613765.
Myopathy, myofibrillar, 9, with early respiratory failure (MFM9). Also called: EDSTROM MYOPATHY; MYOPATHY, PROXIMAL, WITH EARLY RESPIRATORY MUSCLE INVOLVEMENT; Myopathy, distal, with early respiratory failure, autosomal dominant; Hereditary myopathy with early respiratory failure. Identifiers: Orphanet 178464, Orphanet 34521, MedGen C1863599, MONDO:0011362, OMIM 603689.
Tibial muscular dystrophy (TMD). Also called: Tibial muscular dystrophy, tardive; UDD MYOPATHY; Udd Distal Myopathy – Tibial Muscular Dystrophy. Identifiers: Orphanet 609, MedGen C1838244, MONDO:0010870, OMIM 600334.
Early-onset myopathy with fatal cardiomyopathy (CMYO5). Also called: CONGENITAL MYOPATHY 5 WITH CARDIOMYOPATHY; Salih Myopathy. Identifiers: Orphanet 289377, MedGen C2673677, MONDO:0012714, OMIM 611705. Disease mechanism: loss of function.
Dilated cardiomyopathy 1G (CMD1G). Identifiers: Orphanet 154, MedGen C1858763, MONDO:0011400, OMIM 604145.
Autosomal recessive titinopathy. Identifiers: MedGen CN315649, MONDO:0100493.

gnomAD v4.1: 3 of 1,613,976 alleles (0.00019%); highest among the groups gnomAD compares: Admixed American, 0.0033%; no homozygotes.

Submissions (3):

Myofin, Folkhalsan Research Center
Classification: VUS-high for Autosomal recessive titinopathy. Last evaluated: 2026-02-06. Review status: criteria provided, single submitter. Criteria: ACMG Guidelines, 2015. Collection method: research. Allele origin: germline. Affected: yes.
Comment: The variant is rare in population databases (MAF 0.000001859 in gnomAD; no homozygotes reported) and has a high deleterious computational prediction (AlphaMissense 0.9908). Given limited case-level evidence and lack of robust variant-level functional/replication data , we classify this variant as Uncertain significance (VUS-high) for recessive titinopathy.

Labcorp Genetics (formerly Invitae), Labcorp
Classification: Uncertain significance for Dilated cardiomyopathy 1G; Autosomal recessive limb-girdle muscular dystrophy type 2J. Last evaluated: 2026-01-19. Review status: criteria provided, single submitter. Criteria: Invitae Variant Classification Sherloc (09022015). Collection method: clinical testing. Allele origin: germline.
Comment: This sequence change replaces leucine, which is neutral and non-polar, with proline, which is neutral and non-polar, at codon 35640 of the TTN protein (p.Leu35640Pro). This variant is present in population databases (no rsID available, gnomAD 0.006%). This variant has not been reported in the literature in individuals affected with TTN-related conditions. ClinVar contains an entry for this variant (Variation ID: 853395). Experimental studies and prediction algorithms are not available or were not evaluated, and the functional significance of this variant is currently unknown. This variant is located in the M band of TTN (PMID: 25589632). Non-truncating variants in this region may be relevant for neuromuscular disorders, but have not been definitively shown to cause cardiomyopathy (PMID: 23975875). In summary, the available evidence is currently insufficient to determine the role of this variant in disease. Therefore, it has been classified as a Variant of Uncertain Significance.

Fulgent Genetics
Classification: Uncertain significance for Tibial muscular dystrophy; Myopathy, myofibrillar, 9, with early respiratory failure; Dilated cardiomyopathy 1G; Autosomal recessive limb-girdle muscular dystrophy type 2J; Early-onset myopathy with fatal cardiomyopathy; Hypertrophic cardiomyopathy 9. Last evaluated: 2021-08-12. Review status: criteria provided, single submitter. Criteria: ACMG Guidelines, 2015. Collection method: clinical testing. Allele origin: unknown.

Literature cited by the submitters: DOI 10.1101/2025.07.17.25331155 (cited by Myofin, Folkhalsan Research Center); PubMed 25589632 (cited by Labcorp Genetics (formerly Invitae), Labcorp); PubMed 23975875 (cited by Labcorp Genetics (formerly Invitae), Labcorp).

NM_001267550.2(TTN):c.106919T>C (p.Leu35640Pro)

Genes: TTN (titin; minus strand), TTN-AS1 (TTN antisense RNA 1; plus strand). Cytogenetic location: 2q31.2.
Variant type: single nucleotide variant.
Coding change: c.106919T>C on transcript NM_001267550.2 (MANE Select); coding-DNA position 106919, T replaced by C.
Protein change: p.Leu35640Pro; replaces leucine 35640 with proline.
Molecular consequence: missense variant.
Genome position (GRCh38, 1-based): chr2:178,528,832, A>G on the plus strand (T>C on the coding strand, the complement: TTN is on the minus strand). VCF-style: chr2-178528832-A-G. GRCh37 (hg19) VCF-style: chr2-179393559-A-G.
Other names: c.101996T>C, p.Leu33999Pro (NM_001256850.1); c.79724T>C, p.Leu26575Pro (NM_003319.4); c.99215T>C, p.Leu33072Pro (NM_133378.4); c.80099T>C, p.Leu26700Pro (NM_133432.3); c.80300T>C, p.Leu26767Pro (NM_133437.4); short protein forms L26700P, L35640P, L26575P, L26767P, L33072P, L33999P.
Identifiers: ClinVar variation 853395 (VCV000853395.11), dbSNP rs750550267, ClinGen allele CA349402641.
Genomic context (GRCh38, chr2:178,528,832, plus strand): 5'-TGATCGCTGCCTGAGACACCATATCGGTACTCCTCAGAGTTGGTAAGCTCTACGCCATTC[A>G]GTACCCATTTCACATCAGTGGCACCAGCAATGTTGGCTTTTAAAACCAGTCTTTGACCTT-3'
Protein context (NP_001254479.2, residues 35630-35650): IAGATDVKWV[Leu35640Pro]NGVELTNSEE